The following is an entry in ClinVar:

NM_001363118.2(SLC52A2):c.346G>A (p.Ala116Thr)

Gene: SLC52A2 (solute carrier family 52 member 2; plus strand). Cytogenetic location: 8q24.3.
Variant type: single nucleotide variant.
Coding change: c.346G>A on transcript NM_001363118.2 (MANE Select); coding-DNA position 346, G replaced by A.
Protein change: p.Ala116Thr; replaces alanine 116 with threonine.
Molecular consequence: missense variant. On other transcripts: non-coding transcript variant (1), intron variant (1).
Genome position (GRCh38, 1-based): chr8:144,359,838, G>A. VCF-style: chr8-144359838-G-A. GRCh37 (hg19) VCF-style: chr8-145583498-G-A.
Other names: c.346G>A, p.Ala116Thr (NM_001253815.2, NM_001253816.2, NM_001363120.2 and 2 more transcripts); c.131-277G>A (NM_001363122.2); short protein forms A116T.
Identifiers: ClinVar variation 838537 (VCV000838537.5), dbSNP rs1554853918, ClinGen allele CA372626911.
Genomic context (GRCh38, chr8:144,359,838, plus strand): 5'-GCCTCTCTGTGGCACCATGTGGCCCCAGTGGCAGGACAGTTGCATTCTGTGGCCTTCTTA[G>A]CACTGGCCTTTGTGCTGGCACTGGCATGCTGTGCCTCGAATGTCACTTTCCTGCCCTTCT-3'
Protein context (NP_001350047.1, residues 106-126): AGQLHSVAFL[Ala116Thr]LAFVLALACC

ClinVar aggregate classification (germline): Uncertain significance (1 of 4 stars; one submission).

Conditions:
Brown-Vialetto-van Laere syndrome 2. Also called: SPINOCEREBELLAR ATAXIA WITH BLINDNESS AND DEAFNESS 2; Riboflavin transporter deficiency type 2. Identifiers: Orphanet 572543, Orphanet 97229, MedGen C3553538, MONDO:0013867, OMIM 614707.

Allele frequency attached by ClinVar (database versions not stated): gnomAD exomes below 0.00001.
gnomAD v4.1: 4 of 1,613,690 alleles (0.00025%); highest among the groups gnomAD compares: East Asian, 0.0045%; no homozygotes.

Submission:

Labcorp Genetics (formerly Invitae), Labcorp
Classification: Uncertain significance for Brown-Vialetto-van Laere syndrome 2. Last evaluated: 2022-02-09. Review status: criteria provided, single submitter. Criteria: Invitae Variant Classification Sherloc (09022015). Collection method: clinical testing. Allele origin: germline.
Comment: In summary, the available evidence is currently insufficient to determine the role of this variant in disease. Therefore, it has been classified as a Variant of Uncertain Significance. Advanced modeling of protein sequence and biophysical properties (such as structural, functional, and spatial information, amino acid conservation, physicochemical variation, residue mobility, and thermodynamic stability) performed at Invitae indicates that this missense variant is not expected to disrupt SLC52A2 protein function. ClinVar contains an entry for this variant (Variation ID: 838537). This variant has not been reported in the literature in individuals affected with SLC52A2-related conditions. This variant is present in population databases (no rsID available, gnomAD 0.006%). This sequence change replaces alanine, which is neutral and non-polar, with threonine, which is neutral and polar, at codon 116 of the SLC52A2 protein (p.Ala116Thr).